The following is an entry in ClinVar:

NM_000324.3(RHAG):c.140T>C (p.Phe47Ser)

Gene: RHAG (Rh associated glycoprotein; minus strand). Cytogenetic location: 6p12.3.
Variant type: single nucleotide variant.
Coding change: c.140T>C on transcript NM_000324.3 (MANE Select); coding-DNA position 140, T replaced by C.
Protein change: p.Phe47Ser; replaces phenylalanine 47 with serine.
Molecular consequence: missense variant.
Genome position (GRCh38, 1-based): chr6:49,636,673, A>G on the plus strand (T>C on the coding strand, the complement: RHAG is on the minus strand). VCF-style: chr6-49636673-A-G. GRCh37 (hg19) VCF-style: chr6-49604386-A-G.
Other names: short protein forms F47S.
Identifiers: ClinVar variation 1322015 (VCV001322015.5), dbSNP rs2127360274, ClinGen allele CA364392975.

ClinVar aggregate classification (germline): Uncertain significance. Review status: criteria provided, multiple submitters, no conflicts (2 of 4 stars). 3 submissions from 3 submitters: Uncertain significance (2). 1 of the submissions does not count toward it. Last evaluated 2025-01-30.

Conditions:
altered red cell phenotype.

Allele frequency attached by ClinVar (database versions not stated): gnomAD exomes 0.00001.
gnomAD v4.1: 8 of 1,613,926 alleles (0.0005%); highest among the groups gnomAD compares: South Asian, 0.0066%; 1 homozygote.

Submissions (3):

Women's Health and Genetics/Laboratory Corporation of America, LabCorp
Classification: Uncertain significance. Last evaluated: 2025-01-30. Review status: criteria provided, single submitter. Criteria: LabCorp Variant Classification Summary - May 2015. Collection method: clinical testing. Allele origin: germline.
Comment: Variant summary: RHAG c.140T>C (p.Phe47Ser) results in a non-conservative amino acid change in the encoded protein sequence. Four of five in-silico tools predict a benign effect of the variant on protein function. The variant was absent in 251398 control chromosomes. The available data on variant occurrences in the general population are insufficient to allow any conclusion about variant significance. To our knowledge, no occurrence of c.140T>C in individuals affected with Rh deficiency syndrome and no experimental evidence demonstrating its impact on protein function have been reported. ClinVar contains an entry for this variant (Variation ID: 1322015). Based on the evidence outlined above, the variant was classified as uncertain significance.

Revvity Omics, Revvity
Classification: Uncertain significance. Last evaluated: 2024-09-24. Review status: criteria provided, single submitter. Criteria: ACMG Guidelines, 2015. Collection method: clinical testing. Allele origin: germline.

Australian Red Cross Blood Service
Classification: Affects for altered red cell phenotype. Review status: no assertion criteria provided. Collection method: research. Allele origin: inherited. Inheritance: Codominant. Not counted in ClinVar's aggregate classification.